The following is an entry in ClinVar:

NM_021096.4(CACNA1I):c.5253G>C (p.Glu1751Asp)

Gene: CACNA1I (calcium voltage-gated channel subunit alpha1 I; plus strand). Cytogenetic location: 22q13.1.
Variant type: single nucleotide variant.
Coding change: c.5253G>C on transcript NM_021096.4 (MANE Select); coding-DNA position 5253, G replaced by C.
Protein change: p.Glu1751Asp; replaces glutamic acid 1751 with aspartic acid.
Molecular consequence: missense variant.
Genome position (GRCh38, 1-based): chr22:39,679,304, G>C. VCF-style: chr22-39679304-G-C. GRCh37 (hg19) VCF-style: chr22-40075309-G-C.
Other names: c.5148G>C, p.Glu1716Asp (NM_001003406.2); short protein forms E1716D, E1751D.
Identifiers: ClinVar variation 4988350 (VCV004988350.1).

ClinVar aggregate classification (germline): Uncertain significance (1 of 4 stars; one submission).

Conditions:
CACNA1I-related disorder. Also called: CACNA1I-related condition.

Submission:

PreventionGenetics, part of Exact Sciences
Classification: Uncertain significance for CACNA1I-related condition. Last evaluated: 2026-07-07. Review status: criteria provided, single submitter. Criteria: ACMG Guidelines, 2015. Collection method: clinical testing. Allele origin: germline.
Comment: The CACNA1I c.5253G>C variant is predicted to result in the amino acid substitution p.Glu1751Asp. To our knowledge, this variant has not been reported in the literature or in a large population database (gnomAD), indicating this variant is rare. At this time, the clinical significance of this variant is uncertain due to the absence of conclusive functional and genetic evidence.